The following is an entry in ClinVar:

ClinVar aggregate classification (germline): Uncertain significance. Review status: criteria provided, multiple submitters, no conflicts (2 of 4 stars). 2 submissions from 2 submitters: Uncertain significance (2). Last evaluated 2024-09-20.

gnomAD v4.1: 24 of 1,614,170 alleles (0.0015%); highest among the groups gnomAD compares: Non-Finnish European, 0.002%; no homozygotes.

Submissions (2):

Ambry Genetics
Classification: Uncertain significance. Last evaluated: 2024-09-20. Review status: criteria provided, single submitter. Criteria: Ambry Variant Classification Scheme 2023. Collection method: clinical testing. Allele origin: germline.

Labcorp Genetics (formerly Invitae), Labcorp
Classification: Uncertain significance. Last evaluated: 2024-08-17. Review status: criteria provided, single submitter. Criteria: Invitae Variant Classification Sherloc (09022015). Collection method: clinical testing. Allele origin: germline.
Comment: This sequence change replaces leucine, which is neutral and non-polar, with histidine, which is basic and polar, at codon 126 of the GPR45 protein (p.Leu126His). This variant is present in population databases (no rsID available, gnomAD 0.0009%). This variant has not been reported in the literature in individuals affected with GPR45-related conditions. An algorithm developed to predict the effect of missense changes on protein structure and function (PolyPhen-2) suggests that this variant is likely to be disruptive. In summary, the available evidence is currently insufficient to determine the role of this variant in disease. Therefore, it has been classified as a Variant of Uncertain Significance.

NM_007227.3(GPR45):c.377T>A (p.Leu126His)

Gene: GPR45 (G protein-coupled receptor 45; plus strand). Cytogenetic location: 2q12.1.
Variant type: single nucleotide variant.
Coding change: c.377T>A on transcript NM_007227.3 (MANE Select); coding-DNA position 377, T replaced by A.
Protein change: p.Leu126His; replaces leucine 126 with histidine.
Molecular consequence: missense variant.
Genome position (GRCh38, 1-based): chr2:105,242,235, T>A. VCF-style: chr2-105242235-T-A. GRCh37 (hg19) VCF-style: chr2-105858692-T-A.
Other names: short protein forms L126H.
Identifiers: ClinVar variation 3522066 (VCV003522066.3).